The following is an entry in ClinVar:

NM_017841.4(SDHAF2):c.23C>A (p.Ser8Ter)

Gene: SDHAF2 (succinate dehydrogenase complex assembly factor 2; plus strand). Cytogenetic location: 11q12.2.
Variant type: single nucleotide variant.
Coding change: c.23C>A on transcript NM_017841.4 (MANE Select); coding-DNA position 23, C replaced by A.
Protein change: p.Ser8Ter; replaces serine 8 with a stop codon.
Molecular consequence: nonsense.
Genome position (GRCh38, 1-based): chr11:61,430,169, C>A. VCF-style: chr11-61430169-C-A. GRCh37 (hg19) VCF-style: chr11-61197641-C-A.
Other names: short protein forms S8*.
Identifiers: ClinVar variation 821217 (VCV000821217.12), dbSNP rs1254052531, ClinGen allele CA380680185.
Genomic context (GRCh38, chr11:61,430,169, plus strand): 5'-AGTGCCCGCGCAGCCGGTTTCCGGTGCAGGTGGGGAAAATGGCGGTGTCTACAGTGTTCT[C>A]GACTTCGTCGCTGGTGAGGAGAGAGAACGTTCTAGCGTCCGGGGCGGGCGGCAGCGGGGA-3'

ClinVar aggregate classification (germline): Conflicting classifications of pathogenicity. Review status: criteria provided, conflicting classifications (1 of 4 stars). 4 submissions from 4 submitters: Pathogenic (1); Likely pathogenic (2); Uncertain significance (1). Last evaluated 2026-08-25.

Conditions:
SDHAF2-related disorder. Also called: SDHAF2-related condition.
Hereditary pheochromocytoma and paraganglioma. Also called: Hereditary Paraganglioma-Pheochromocytoma Syndromes; Hereditary pheochromocytoma-paraganglioma; Hereditary paragangliomas and pheochromocytomas. Identifiers: Orphanet 29072, MedGen C4274332, MONDO:0017366.
Hereditary cancer-predisposing syndrome. Also called: Neoplastic Syndromes, Hereditary; Hereditary Cancer Syndrome; Tumor predisposition; Hereditary neoplastic syndrome. Identifiers: Orphanet 140162, MedGen C0027672, MeSH D009386, MONDO:0015356.

Allele frequency attached by ClinVar (database versions not stated): TOPMed 0.00001.
gnomAD v4.1: 1 of 1,614,192 alleles (0.000062%); highest among the groups gnomAD compares: Non-Finnish European, 0.000085%; no homozygotes.

Submissions (4):

PreventionGenetics, part of Exact Sciences
Classification: Likely pathogenic for SDHAF2-related condition. Last evaluated: 2026-08-25. Review status: criteria provided, single submitter. Criteria: ACMG Guidelines, 2015. Collection method: clinical testing. Allele origin: germline.
Comment: The SDHAF2 c.23C>A variant is predicted to result in premature protein termination (p.Ser8*). To our knowledge, this variant has not been reported in the literature or in a large population database (gnomAD), indicating this variant is rare. Nonsense variants in SDHAF2 are expected to be pathogenic. This variant is interpreted as likely pathogenic.

Labcorp Genetics (formerly Invitae), Labcorp
Classification: Pathogenic for Hereditary pheochromocytoma and paraganglioma. Last evaluated: 2025-02-27. Review status: criteria provided, single submitter. Criteria: Invitae Variant Classification Sherloc (09022015). Collection method: clinical testing. Allele origin: germline.
Comment: This sequence change creates a premature translational stop signal (p.Ser8*) in the SDHAF2 gene. It is expected to result in an absent or disrupted protein product. Loss-of-function variants in SDHAF2 are known to be pathogenic (PMID: 22241717, 26096992). This variant is not present in population databases (gnomAD no frequency). This variant has not been reported in the literature in individuals affected with SDHAF2-related conditions. ClinVar contains an entry for this variant (Variation ID: 821217). For these reasons, this variant has been classified as Pathogenic.

All of Us Research Program, National Institutes of Health
Classification: Likely pathogenic for Hereditary pheochromocytoma and paraganglioma. Last evaluated: 2024-09-16. Review status: criteria provided, single submitter. Criteria: ACMG Guidelines, 2015. Collection method: clinical testing. Allele origin: germline. Inheritance: Autosomal dominant inheritance. Observed: 2 variant alleles, 2 heterozygotes.
Comment: This variant changes 1 nucleotide in exon 1 of the SDHAF2 gene, creating a premature translation stop signal. This variant is expected to result in an absent or non-functional protein product. However, an alternate in-frame methionine is present at codon 13 and may contribute to translational rescue of this variant, although this has not been demonstrated experimentally. Amino acid residues 1-36 encode the mitochondrial presequence import signal (PMID: 24414418), and the loss of the first 12 amino acids therefore may impact mitochondrial import function. To our knowledge, this variant has not been reported in individuals affected with SDHAF2-related disorders in the literature. This variant has not been identified in the general population by the Genome Aggregation Database (gnomAD). Based on the available evidence, this variant is classified as Likely Pathogenic.

This study involves interpretation of variants in research participants for the purpose of population health screening. Participant phenotype was not available at the time of variant classification. Additional details can be found in publication PMID: 35346344, PMCID: PMC8962531

Ambry Genetics
Classification: Uncertain significance for Hereditary cancer-predisposing syndrome. Last evaluated: 2019-03-06. Review status: criteria provided, single submitter. Criteria: Ambry Variant Classification Scheme 2023. Collection method: clinical testing. Allele origin: germline.
Comment: The p.S8* variant (also known as c.23C>A), located in coding exon 1 of the SDHAF2 gene, results from a C to A substitution at nucleotide position 23. This changes the amino acid from a serine to a stop codon within coding exon 1. Premature stop codons are typically deleterious in nature; however, there is an alternate in-frame methionine 12 amino acids from the initiation site, and the significance of the N-terminus for this protein is not well established. Since supporting evidence is limited at this time, the clinical significance of this alteration remains unclear.

Literature cited by the submitters: PubMed 22241717 (cited by Labcorp Genetics (formerly Invitae), Labcorp); PubMed 26096992 (cited by Labcorp Genetics (formerly Invitae), Labcorp); PubMed 24414418 (cited by All of Us Research Program, National Institutes of Health).